The following is an entry in ClinVar:

ClinVar aggregate classification (germline): Uncertain significance. Review status: criteria provided, multiple submitters, no conflicts (2 of 4 stars). 2 submissions from 2 submitters: Uncertain significance (2). Last evaluated 2024-12-24.

Conditions:
Joubert syndrome. Also called: JOUBERT-BOLTSHAUSER SYNDROME; Familial aplasia of the vermis. Identifiers: Orphanet 475, MedGen C5979921, MONDO:0018772.
Orofaciodigital syndrome I (OFD1). Also called: OFDS I; Papillon-Leage and Psaume Syndrome; Oral-Facial-Digital Syndrome Type I. Identifiers: Orphanet 2750, MedGen C1510460, MONDO:0010702, OMIM 311200.
Primary ciliary dyskinesia. Also called: Ciliary dyskinesia. Identifiers: Orphanet 244, MedGen C0008780, MONDO:0016575, HP:0012265.

Allele frequency attached by ClinVar (database versions not stated): gnomAD exomes below 0.00001; gnomAD 0.00001; ExAC 0.00002.

Submissions (2):

Labcorp Genetics (formerly Invitae), Labcorp
Classification: Uncertain significance for Orofaciodigital syndrome I; Joubert syndrome. Last evaluated: 2024-12-24. Review status: criteria provided, single submitter. Criteria: Invitae Variant Classification Sherloc (09022015). Collection method: clinical testing. Allele origin: germline.
Comment: This sequence change replaces alanine, which is neutral and non-polar, with glutamic acid, which is acidic and polar, at codon 3 of the OFD1 protein (p.Ala3Glu). The frequency data for this variant in the population databases is considered unreliable, as metrics indicate poor data quality at this position in the gnomAD database. This variant has not been reported in the literature in individuals affected with OFD1-related conditions. ClinVar contains an entry for this variant (Variation ID: 2475764). An algorithm developed to predict the effect of missense changes on protein structure and function (PolyPhen-2) suggests that this variant is likely to be disruptive. In summary, the available evidence is currently insufficient to determine the role of this variant in disease. Therefore, it has been classified as a Variant of Uncertain Significance.

Ambry Genetics
Classification: Uncertain significance for Primary ciliary dyskinesia. Last evaluated: 2023-01-11. Review status: criteria provided, single submitter. Criteria: Ambry Variant Classification Scheme 2023. Collection method: clinical testing. Allele origin: germline.

NM_003611.3(OFD1):c.8C>A (p.Ala3Glu)

Genes: OFD1 (OFD1 centriole and centriolar satellite protein; plus strand), LOC126863212 (CDK7 strongly-dependent group 2 enhancer GRCh37_chrX:13752241-13753440; plus strand). Cytogenetic location: Xp22.2.
Variant type: single nucleotide variant.
Coding change: c.8C>A on transcript NM_003611.3 (MANE Select); coding-DNA position 8, C replaced by A.
Protein change: p.Ala3Glu; replaces alanine 3 with glutamic acid.
Molecular consequence: missense variant. On other transcripts: 5 prime UTR variant (1).
Genome position (GRCh38, 1-based): chrX:13,735,079, C>A. VCF-style: chrX-13735079-C-A. GRCh37 (hg19) VCF-style: chrX-13753198-C-A.
Other names: c.8C>A, p.Ala3Glu (NM_001330209.2); c.-538C>A (NM_001330210.2); short protein forms A3E.
Identifiers: ClinVar variation 2475764 (VCV002475764.4), dbSNP rs750315398, ClinGen allele CA10351496.
Genomic context (GRCh38, chrX:13,735,079, plus strand): 5'-ACTCGGGCCGCGGCGGGGCGAGCGAGGCGGGCTCCGGAGGGAGCTGACGCCTGATGATGG[C>A]GCAGGTAGACACACCTGCCCCTTCTCGGGCGGAAATAAAGTCTTGTTTTGTGTTCGTTAA-3'
Protein context (NP_003602.1, residues 1-13): MM[Ala3Glu]QSNMFTVADV